The following is an entry in ClinVar:

ClinVar aggregate classification (germline): Uncertain significance. Review status: reviewed by expert panel (3 of 4 stars). 3 submissions from 3 submitters: Uncertain significance (1). 2 of the submissions do not count toward it. Last evaluated 2023-09-26.

Conditions:
Mitochondrial disease. Also called: Mitochondrial disorder; Mitochondrial disorders. Identifiers: Orphanet 68380, MedGen C0751651, MeSH D028361, MONDO:0044970.
Leigh syndrome (NULS). Also called: Leigh Disease; Subacute necrotizing encephalopathy; Necrotizing encephalopathy infantile subacute of Leigh; LEIGH SYNDROME, NUCLEAR; Leigh's syndrome; Leigh's necrotizing encephalopathy. Identifiers: Orphanet 506, MedGen C2931891, MONDO:0009723, OMIM 256000.

Submissions (3):

ClinGen Mitochondrial Disease Nuclear and Mitochondrial  Variant Curation Expert Panel, ClinGen
Classification: Uncertain significance for Mitochondrial disease. Last evaluated: 2023-09-26. Review status: reviewed by expert panel. Criteria: clingen mito disease acmg specifications v1-1. Collection method: curation. Allele origin: germline. Inheritance: Mitochondrial inheritance.
Comment: The m.8704A>G (p.M60V) variant in MT-ATP6 was reviewed by the Mitochondrial Disease Nuclear and Mitochondrial Variant Curation Expert Panel on September 26, 2023. There are no individuals or families with primary mitochondrial disease with this variant reported in the medical literature to our knowledge. This variant is present in population databases and is seen in individuals from several different haplogroups (MITOMAP: 0.039%, 24/61,883; gnomAD v3.1.2: 0.023%, 13/56,434 homoplasmic occurrences; Helix: 0.009%, 18/195,893 homoplasmic occurrences in addition to three heteroplasmic occurrences). The computational predictor APOGEE gives a consensus rating of neutral with a score of 0.37 (Min=0, Max=1), which predicts no effect on gene function (BP4). There are no cybrids, single fiber studies, or other functional assays reported for this variant. In summary, this variant meets criteria to be classified as uncertain significance for primary mitochondrial disease inherited in a mitochondrial manner. This classification was approved by the NICHD/NINDS U24 ClinGen Mitochondrial Disease Variant Curation Expert Panel on September 26, 2023. Mitochondrial DNA-specific ACMG/AMP criteria applied (PMID: 32906214): BP4.

Wong Mito Lab, Molecular and Human Genetics, Baylor College of Medicine
Classification: Likely benign for Leigh syndrome. Last evaluated: 2019-10-17. Review status: criteria provided, single submitter. Criteria: Modified ACMG Guidelines (Unpublished). Collection method: clinical testing. Allele origin: germline. Not counted in ClinVar's aggregate classification.
Comment: The NC_012920.1:m.8704A>G (YP_003024031.1:p.Met60Val) variant in MTATP6 gene is interpretated to be a Likely Benign variant based on the modified ACMG guidelines (unpublished). This variant meets the following evidence codes: BS1, BP4

Center for Pediatric Genomic Medicine, Children's Mercy Hospital and Clinics
Classification: Uncertain significance. Last evaluated: 2016-02-18. Review status: criteria provided, single submitter. Criteria: ACMG Guidelines, 2015. Collection method: clinical testing. Allele origin: germline. Not counted in ClinVar's aggregate classification.
ClinVar note: Converted during submission from Uncertain Significance to Uncertain significance.

NC_012920.1(MT-ATP6):m.8704A>G

Gene: MT-ATP6 (mitochondrially encoded ATP synthase 6; plus strand).
Variant type: single nucleotide variant.
Genome position: chrM-8704-A-G.
Identifiers: ClinVar variation 235260 (VCV000235260.5), dbSNP rs878852994, ClinGen allele CA10581258.